The following is an entry in ClinVar:

ClinVar aggregate classification (germline): Uncertain significance (1 of 4 stars; one submission).

Conditions:
Retinoblastoma (RB1). Also called: RETINOBLASTOMA, SOMATIC. Identifiers: Orphanet 790, MedGen C0035335, MeSH D012175, MONDO:0008380, OMIM 180200, HP:0009919. Disease mechanism: loss of function. Inheritance: Both sporadic and heritable forms are tested..

Submission:

Labcorp Genetics (formerly Invitae), Labcorp
Classification: Uncertain significance for Retinoblastoma. Last evaluated: 2024-12-12. Review status: criteria provided, single submitter. Criteria: Invitae Variant Classification Sherloc (09022015). Collection method: clinical testing. Allele origin: germline.
Comment: This variant occurs in a non-coding region of the RB1 gene. It does not change the encoded amino acid sequence of the RB1 protein. This variant is present in population databases (no rsID available, gnomAD 0.01%). This variant has not been reported in the literature in individuals affected with RB1-related conditions. Experimental studies and prediction algorithms are not available or were not evaluated, and the functional significance of this variant is currently unknown. In summary, the available evidence is currently insufficient to determine the role of this variant in disease. Therefore, it has been classified as a Variant of Uncertain Significance.

NC_000013.11:g.48303739G>C

Gene: RB1 (RB transcriptional corepressor 1; plus strand). Cytogenetic location: 13q14.2.
Variant type: single nucleotide variant.
Genome position: GRCh38 VCF-style: chr13-48303739-G-C. GRCh37 (hg19) VCF-style: chr13-48877875-G-C.
Identifiers: ClinVar variation 3730583 (VCV003730583.2).
Genomic context (GRCh38, chr13:48,303,739, plus strand): 5'-CGGGCCCGGGAGCCTCGCGGACGTGACGCCGCGGGCGGAAGTGACGTTTTCCCGCGGTTG[G>C]ACGCGGCGCTCAGTTGCCGGGCGGGGGAGGGCGCGTCCGGTTTTTCTCAGGGGACGTTGA-3'